The following is an entry in ClinVar:

NM_006393.3(NEBL):c.481-14C>G

Gene: NEBL (nebulette; minus strand). Cytogenetic location: 10p12.31.
Variant type: single nucleotide variant.
Coding change: c.481-14C>G on transcript NM_006393.3 (MANE Select); 14 bases into the intron before coding-DNA position 481, C replaced by G.
Molecular consequence: intron variant.
Genome position (GRCh38, 1-based): chr10:20,869,855, G>C on the plus strand (C>G on the coding strand, the complement: NEBL is on the minus strand). VCF-style: chr10-20869855-G-C. GRCh37 (hg19) VCF-style: chr10-21158784-G-C.
Other names: c.250-56915C>G (NM_001377326.1, NM_001377327.1, NM_001377328.1); c.358-56915C>G (NM_213569.2, NM_001173484.2, NM_001377322.1); c.301-56915C>G (NM_001377324.1); c.292-56915C>G (NM_001377325.1); c.310-56915C>G (NM_001377323.1).
Identifiers: ClinVar variation 2149119 (VCV002149119.5), dbSNP rs1844740327, ClinGen allele CA1895408807.
Genomic context (GRCh38, chr10:20,869,855, plus strand): 5'-TCTGCACTGTACGTGTGGGTGTCCTGCACGTCTTTCCTATAAGAAATCTGATCAGAGACA[G>C]TTTTGGTTAAAAAATAAATAAATTAGTAATTTCACATAGCTACTAGTCTTAGTGTTCATA-3'

ClinVar aggregate classification (germline): Conflicting classifications of pathogenicity. Review status: criteria provided, conflicting classifications (1 of 4 stars). 2 submissions from 2 submitters: Uncertain significance (1); Likely benign (1). Last evaluated 2025-03-08.

Conditions:
Primary dilated cardiomyopathy (DCM). Also called: Dilated Cardiomyopathy. Identifiers: Orphanet 217604, MedGen C0007193, MeSH D002311, MONDO:0005021, HP:0001644. Inheritance: Various modes of inheritance.

Allele frequency attached by ClinVar (database versions not stated): gnomAD exomes below 0.00001; TOPMed below 0.00001.
gnomAD v4.1: 1 of 1,523,776 alleles (0.000066%); highest among the groups gnomAD compares: Non-Finnish European, 0.000091%; no homozygotes.

Submissions (2):

Women's Health and Genetics/Laboratory Corporation of America, LabCorp
Classification: Likely benign. Last evaluated: 2025-03-08. Review status: criteria provided, single submitter. Criteria: LabCorp Variant Classification Summary - May 2015. Collection method: clinical testing. Allele origin: germline.

Labcorp Genetics (formerly Invitae), Labcorp
Classification: Uncertain significance for Primary dilated cardiomyopathy. Last evaluated: 2022-05-17. Review status: criteria provided, single submitter. Criteria: Invitae Variant Classification Sherloc (09022015). Collection method: clinical testing. Allele origin: germline.
Comment: In summary, the available evidence is currently insufficient to determine the role of this variant in disease. Therefore, it has been classified as a Variant of Uncertain Significance. Algorithms developed to predict the effect of sequence changes on RNA splicing suggest that this variant may create or strengthen a splice site. This variant has not been reported in the literature in individuals affected with NEBL-related conditions. This variant is not present in population databases (gnomAD no frequency). This sequence change falls in intron 5 of the NEBL gene. It does not directly change the encoded amino acid sequence of the NEBL protein.